The following is an entry in ClinVar:

ClinVar aggregate classification (germline): Uncertain significance. Review status: criteria provided, multiple submitters, no conflicts (2 of 4 stars). 2 submissions from 2 submitters: Uncertain significance (2). Last evaluated 2023-01-07.

Allele frequency attached by ClinVar (database versions not stated): ExAC 0.00002; gnomAD 0.00002; gnomAD exomes 0.00002; TOPMed 0.00002; 1000 Genomes Project 30x 0.00016; 1000 Genomes Project 0.00020.
gnomAD v4.1: 31 of 1,614,064 alleles (0.0019%); highest among the groups gnomAD compares: Non-Finnish European, 0.0026%; no homozygotes.

Submissions (2):

Labcorp Genetics (formerly Invitae), Labcorp
Classification: Uncertain significance. Last evaluated: 2023-01-07. Review status: criteria provided, single submitter. Criteria: Invitae Variant Classification Sherloc (09022015). Collection method: clinical testing. Allele origin: germline.
Comment: Advanced modeling of protein sequence and biophysical properties (such as structural, functional, and spatial information, amino acid conservation, physicochemical variation, residue mobility, and thermodynamic stability) performed at Invitae indicates that this missense variant is not expected to disrupt TRRAP protein function. In summary, the available evidence is currently insufficient to determine the role of this variant in disease. Therefore, it has been classified as a Variant of Uncertain Significance. This variant has not been reported in the literature in individuals affected with TRRAP-related conditions. This variant is present in population databases (rs563421471, gnomAD 0.004%). This sequence change replaces isoleucine, which is neutral and non-polar, with threonine, which is neutral and polar, at codon 615 of the TRRAP protein (p.Ile615Thr).

Revvity Omics, Revvity
Classification: Uncertain significance. Last evaluated: 2021-03-19. Review status: criteria provided, single submitter. Criteria: ACMG Guidelines, 2015. Collection method: clinical testing. Allele origin: germline.

NM_001375524.1(TRRAP):c.1844T>C (p.Ile615Thr)

Gene: TRRAP (transformation/transcription domain associated protein; plus strand). Cytogenetic location: 7q22.1.
Variant type: single nucleotide variant.
Coding change: c.1844T>C on transcript NM_001375524.1 (MANE Select); coding-DNA position 1844, T replaced by C.
Protein change: p.Ile615Thr; replaces isoleucine 615 with threonine.
Molecular consequence: missense variant.
Genome position (GRCh38, 1-based): chr7:98,911,108, T>C. VCF-style: chr7-98911108-T-C. GRCh37 (hg19) VCF-style: chr7-98508731-T-C.
Other names: c.1844T>C, p.Ile615Thr (NM_001244580.2, NM_003496.4); short protein forms I615T.
Identifiers: ClinVar variation 2437374 (VCV002437374.6), dbSNP rs563421471, ClinGen allele CA4359642.